The following is an entry in ClinVar:

ClinVar aggregate classification (germline): Uncertain significance (1 of 4 stars; one submission).

Submission:

Women's Health and Genetics/Laboratory Corporation of America, LabCorp
Classification: Uncertain significance. Last evaluated: 2023-10-04. Review status: criteria provided, single submitter. Criteria: LabCorp Variant Classification Summary - May 2015. Collection method: clinical testing. Allele origin: germline.
Comment: Variant summary: PHIP c.5019_5020insG (p.Leu1674ValfsX5) results in a premature termination codon, predicted to cause a truncation of the encoded protein or absence of the protein, however nonsense mediated decay is not predicted. The variant was absent in 251328 control chromosomes. The available data on variant occurrences in the general population are insufficient to allow any conclusion about variant significance. To our knowledge, no occurrence of c.5019_5020insG in individuals affected with Developmental Delay, Intellectual Disability, Obesity, And Dysmorphic Features and no experimental evidence demonstrating its impact on protein function have been reported. No submitters have cited clinical-significance assessments for this variant to ClinVar after 2014. Based on the evidence outlined above, the variant was classified as uncertain significance.

NM_017934.7(PHIP):c.5019_5020insG (p.Leu1674fs)

Genes: IRAK1BP1 (interleukin 1 receptor associated kinase 1 binding protein 1; plus strand), PHIP (PHIP subunit of CUL4-Ring ligase complex; minus strand). Cytogenetic location: 6q14.1.
Variant type: Insertion.
Coding change: c.5019_5020insG on transcript NM_017934.7 (MANE Select); coding-DNA positions 5019 to 5020, G inserted.
Protein change: p.Leu1674fs; shifts the reading frame from leucine 1674.
Molecular consequence: frameshift variant.
Genome position: GRCh38 VCF-style: chr6-78941139-A-AC. GRCh37 (hg19) VCF-style: chr6-79650856-A-AC.
Other names: short protein forms L1674fs.
Identifiers: ClinVar variation 2637598 (VCV002637598.1), dbSNP rs2481766495, ClinGen allele CA2695198284.
Genomic context (GRCh38, chr6:78,941,139, plus strand): 5'-AATTGCATGTTGAAGAAGGAAGTACTTCATCTCTGATGGGATGCACATTATTTTGCTCTA[A>AC]ATCTTCTGGCTTTGCATACTGTAGCTTTTTGGGCTTTCTACCCCTTTTCTTGTGTATAAT-3'